The following is an entry in ClinVar:

NM_000540.3(RYR1):c.9330G>A (p.Leu3110=)

Gene: RYR1 (ryanodine receptor 1; plus strand). Cytogenetic location: 19q13.2.
Variant type: single nucleotide variant.
Coding change: c.9330G>A on transcript NM_000540.3 (MANE Select); coding-DNA position 9330, G replaced by A.
Protein change: p.Leu3110=; no amino-acid change (leucine 3110 retained).
Molecular consequence: synonymous variant.
Genome position (GRCh38, 1-based): chr19:38,512,341, G>A. VCF-style: chr19-38512341-G-A. GRCh37 (hg19) VCF-style: chr19-39002981-G-A.
Other names: c.9330G>A, p.Leu3110= (NM_001042723.2).
Identifiers: ClinVar variation 1617460 (VCV001617460.9), dbSNP rs1393317681, ClinGen allele CA507354421.
Genomic context (GRCh38, chr19:38,512,341, plus strand): 5'-TGGCCTCCGCTCCTTCTTCGAGAGTGCCTCGGAGGACATCGAGAAGATGGTGGAGAACCT[G>A]CGGCTGGGCAAGGTGTCGCAGGCGCGCACCCAGGTGAAAGGCGTGGGCCAGAACCTCACC-3'
Protein context (NP_000531.2, residues 3100-3120): SEDIEKMVEN[Leu3110=]RLGKVSQART

ClinVar aggregate classification (germline): Likely benign. Review status: criteria provided, multiple submitters, no conflicts (2 of 4 stars). 2 submissions from 2 submitters: Likely benign (2). Last evaluated 2023-11-20.

Conditions:
RYR1-related disorder. Also called: RYR1-related condition; RYR1-related disorders. Identifiers: MedGen CN239331.
Malignant hyperthermia, susceptibility to, 1 (MHS1). Also called: Anesthesia related hyperthermia; Malignant hyperpyrexia; Fulminating hyperpyrexia; Pharmacogenic myopathy; Malignant hyperthermia suceptibility 1; RYR1-Related Malignant Hyperthermia Susceptibility. Identifiers: Orphanet 423, MedGen C2930980, MONDO:0007783, OMIM 145600.

Allele frequency attached by ClinVar (database versions not stated): gnomAD exomes below 0.00001 and 0.00001; gnomAD 0.00001; TOPMed 0.00001.
gnomAD v4.1: 12 of 1,614,080 alleles (0.00074%); highest among the groups gnomAD compares: African/African-American, 0.0013%; no homozygotes.

Submissions (2):

All of Us Research Program, National Institutes of Health
Classification: Likely benign for Malignant hyperthermia, susceptibility to, 1. Last evaluated: 2023-11-20. Review status: criteria provided, single submitter. Criteria: ACMG Guidelines, 2015. Collection method: clinical testing. Allele origin: germline. Inheritance: Autosomal dominant inheritance. Observed: 1 variant allele, 1 heterozygote.
Comment: This study involves interpretation of variants in research participants for the purpose of population health screening. Participant phenotype was not available at the time of variant classification. Additional details can be found in publication PMID: 35346344, PMCID: PMC8962531

Labcorp Genetics (formerly Invitae), Labcorp
Classification: Likely benign for RYR1-related disorder. Last evaluated: 2023-11-18. Review status: criteria provided, single submitter. Criteria: Invitae Variant Classification Sherloc (09022015). Collection method: clinical testing. Allele origin: germline.